The following is an entry in ClinVar:

ClinVar aggregate classification (germline): Pathogenic/Likely pathogenic. Review status: criteria provided, multiple submitters, no conflicts (2 of 4 stars). 3 submissions from 3 submitters: Pathogenic (1); Likely pathogenic (1). 1 of the submissions does not count toward it. Last evaluated 2025-05-08.

Conditions:
Autosomal recessive congenital ichthyosis 1 (LI1). Also called: ICHTHYOSIS CONGENITA; ICHTHYOSIS CONGENITA II; LAMELLAR EXFOLIATION OF NEWBORN; ICHTHYOSIS, CONGENITAL, AUTOSOMAL RECESSIVE 1, WITH BATHING SUIT DISTRIBUTION; ICHTHYOSIS, CONGENITAL, AUTOSOMAL RECESSIVE 1, WITH OR WITHOUT BATHING SUIT DISTRIBUTION; COLLODION FETUS. Identifiers: MedGen C4551630, MONDO:0009441, OMIM 242300.

Allele frequency attached by ClinVar (database versions not stated): gnomAD exomes below 0.00001; ExAC 0.00001.
gnomAD v4.1: 5 of 1,613,306 alleles (0.00031%); highest among the groups gnomAD compares: South Asian, 0.0044%; no homozygotes.

Submissions (3):

Natera, Inc.
Classification: Pathogenic for Autosomal recessive congenital ichthyosis type 1. Last evaluated: 2025-05-08. Review status: criteria provided, single submitter. Criteria: Natera Variant Classification Schema (03/2026). Collection method: clinical testing. Allele origin: germline.
Comment: The c.2226-2A>G variant in TGM1 is a canonical splice acceptor site variant predicted to affect pre-mRNA splicing, which may result in an abnormal transcript and altered protein product. This variant is expected to result in nonsense mediated decay, truncation, or a dysfunctional protein product. This variant is rare in the general population with a frequency below the threshold expected for the associated phenotype(s). This variant has been observed in one or more individuals affected with the associated recessive disease, as either homozygous or compound heterozygous with a second variant (PMID: 31168818, 30578701). Given the available evidence, this variant is classified as Pathogenic.

Fulgent Genetics
Classification: Likely pathogenic for Autosomal recessive congenital ichthyosis 1. Last evaluated: 2021-09-11. Review status: criteria provided, single submitter. Criteria: ACMG Guidelines, 2015. Collection method: clinical testing. Allele origin: unknown.

Counsyl
Classification: Likely pathogenic for Autosomal recessive congenital ichthyosis 1. Last evaluated: 2017-08-22. Review status: no assertion criteria provided. Collection method: clinical testing. Allele origin: unknown. Not counted in ClinVar's aggregate classification.

Literature cited by the submitters: PubMed 31168818 (cited by Natera, Inc.); PubMed 30578701 (cited by Natera, Inc.); PubMed 19241467 (cited by Counsyl).

NM_000359.3(TGM1):c.2226-2A>G

Gene: TGM1 (transglutaminase 1; minus strand). Cytogenetic location: 14q12.
Variant type: single nucleotide variant.
Coding change: c.2226-2A>G on transcript NM_000359.3 (MANE Select); the canonical splice acceptor site of the intron before coding-DNA position 2226, A replaced by G.
Molecular consequence: splice acceptor variant.
Genome position (GRCh38, 1-based): chr14:24,249,543, T>C on the plus strand (A>G on the coding strand, the complement: TGM1 is on the minus strand). VCF-style: chr14-24249543-T-C. GRCh37 (hg19) VCF-style: chr14-24718749-T-C.
Identifiers: ClinVar variation 553508 (VCV000553508.6), dbSNP rs752349623, ClinGen allele CA7130826.